The following is an entry in ClinVar:

NM_000550.3(TYRP1):c.140_141del (p.Pro47fs)

Gene: TYRP1 (tyrosinase related protein 1; plus strand). Cytogenetic location: 9p23.
Variant type: Deletion.
Coding change: c.140_141del on transcript NM_000550.3 (MANE Select); coding-DNA positions 140 to 141, 2 bases deleted (CT; older notation c.140_141delCT).
Protein change: p.Pro47fs; shifts the reading frame from proline 47.
Molecular consequence: frameshift variant.
Genome position (GRCh38, 1-based): chr9:12,694,136-12,694,137, CT deleted. VCF-style (leftmost placement, unchanged base first): chr9-12694135-CCT-C. GRCh37 (hg19) VCF-style: chr9-12694135-CCT-C.
Other names: c.140_141delCT (NM_000550.2); short protein forms P47fs.
Identifiers: ClinVar variation 1073799 (VCV001073799.11), dbSNP rs757376458, ClinGen allele CA4985122.

ClinVar aggregate classification (germline): Conflicting classifications of pathogenicity. Review status: criteria provided, conflicting classifications (1 of 4 stars). 4 submissions from 4 submitters: Pathogenic (1); Likely pathogenic (2); Uncertain significance (1). Last evaluated 2025-06-30.

Conditions:
TYRP1-related disorder. Also called: TYRP1-related condition.

Allele frequency attached by ClinVar (database versions not stated): ExAC 0.00001; gnomAD exomes 0.00001 and 0.00002; TOPMed 0.00002; gnomAD 0.00003.

Submissions (4):

PreventionGenetics, part of Exact Sciences
Classification: Likely pathogenic for TYRP1-related condition. Last evaluated: 2025-06-30. Review status: criteria provided, single submitter. Criteria: ACMG Guidelines, 2015. Collection method: clinical testing. Allele origin: germline.
Comment: The TYRP1 c.140_141delCT variant is predicted to result in a frameshift and premature protein termination (p.Pro47Argfs*19). To our knowledge, this variant has not been reported in the literature. This variant is present in 0.0047% of alleles in individuals of European (Non-Finnish) descent in gnomAD. Frameshift variants in TYRP1 are an established mechanism of disease. This variant is interpreted as likely pathogenic.

Labcorp Genetics (formerly Invitae), Labcorp
Classification: Pathogenic. Last evaluated: 2025-04-16. Review status: criteria provided, single submitter. Criteria: Invitae Variant Classification Sherloc (09022015). Collection method: clinical testing. Allele origin: germline.
Comment: This sequence change creates a premature translational stop signal (p.Pro47Argfs*19) in the TYRP1 gene. It is expected to result in an absent or disrupted protein product. Loss-of-function variants in TYRP1 are known to be pathogenic (PMID: 8651291, 9345097). This variant is present in population databases (rs757376458, gnomAD 0.005%). This variant has not been reported in the literature in individuals affected with TYRP1-related conditions. ClinVar contains an entry for this variant (Variation ID: 1073799). For these reasons, this variant has been classified as Pathogenic.

Blueprint Genetics
Classification: Likely pathogenic for TYRP1-related disorders. Last evaluated: 2024-02-23. Review status: criteria provided, single submitter. Criteria: ACMG Guidelines, 2015. Collection method: clinical testing. Allele origin: germline. Affected: yes. Observed: 2 variant alleles.

GeneDx
Classification: Uncertain significance. Last evaluated: 2019-08-15. Review status: criteria provided, single submitter. Criteria: GeneDx Variant Classification Process June 2021. Collection method: clinical testing. Allele origin: germline. Affected: yes.
Comment: Frameshift variant predicted to result in protein truncation or nonsense mediated decay in a gene for which loss-of-function is a known mechanism of disease; Has not been previously published as pathogenic or benign to our knowledge

Literature cited by the submitters: PubMed 8651291 (cited by Labcorp Genetics (formerly Invitae), Labcorp); PubMed 9345097 (cited by Labcorp Genetics (formerly Invitae), Labcorp).